The following is an entry in ClinVar:

NM_000341.4(SLC3A1):c.114A>C (p.Gly38=)

Gene: SLC3A1 (solute carrier family 3 member 1; plus strand). Cytogenetic location: 2p21.
Variant type: single nucleotide variant.
Coding change: c.114A>C on transcript NM_000341.4 (MANE Select); coding-DNA position 114, A replaced by C.
Protein change: p.Gly38=; no amino-acid change (glycine 38 retained).
Molecular consequence: synonymous variant.
Genome position (GRCh38, 1-based): chr2:44,275,649, A>C. VCF-style: chr2-44275649-A-C. GRCh37 (hg19) VCF-style: chr2-44502788-A-C.
Other names: G38=; p.Gly38=.
Identifiers: ClinVar variation 336184 (VCV000336184.28), dbSNP rs3738985, ClinGen allele CA1640027.

ClinVar aggregate classification (germline): Benign. Review status: criteria provided, multiple submitters, no conflicts (2 of 4 stars). 11 submissions from 11 submitters: Benign (9). 2 of the submissions do not count toward it. Last evaluated 2026-03-02.

Conditions:
Cystinuria (CSNU). Also called: Cystinuria, non-type I; CYSTINURIA, TYPE I; CYSTINURIA, TYPE II; CYSTINURIA, TYPE III. Identifiers: Orphanet 214, MedGen C0010691, MONDO:0009067, OMIM 220100, HP:0003131.

Allele frequency attached by ClinVar (database versions not stated): 1000 Genomes Project 0.70347; 1000 Genomes Project 30x 0.71268; gnomAD exomes 0.72262 and 0.76926; ExAC 0.73275; TOPMed 0.74652; gnomAD 0.75252 and 0.75388; ESP Exome Variant Server 0.77887.
gnomAD v4.1: 1,238,146 of 1,613,626 alleles (77%); highest among the groups gnomAD compares: South Asian, 85%; 480,440 homozygotes.

Submissions (11):

Women's Health and Genetics/Laboratory Corporation of America, LabCorp
Classification: Benign. Last evaluated: 2026-03-02. Review status: criteria provided, single submitter. Criteria: LabCorp Variant Classification Summary - May 2015. Collection method: clinical testing. Allele origin: germline.

Labcorp Genetics (formerly Invitae), Labcorp
Classification: Benign for Cystinuria. Last evaluated: 2026-02-04. Review status: criteria provided, single submitter. Criteria: Invitae Variant Classification Sherloc (09022015). Collection method: clinical testing. Allele origin: germline.

Blueprint Genetics
Classification: Benign. Last evaluated: 2024-11-26. Review status: criteria provided, single submitter. Criteria: ACMG Guidelines, 2015. Collection method: clinical testing. Allele origin: germline.

Biotechnology Lab, University of Central Punjab
Classification: Benign for Cystinuria. Last evaluated: 2023-02-10. Review status: criteria provided, single submitter. Criteria: ACMG Guidelines, 2015. Collection method: research. Allele origin: inherited. Inheritance: Autosomal recessive inheritance. Affected: yes. Observed: 68 variant alleles.
Comment: A molecular and computational study performed on the Pakistani population reported this synonymous variant (G38=) in the SLC3A1 gene, as a benign variant, by using the technique of Next-generation sequencing. This variant might be the reason for causing the disease or increasing the severity of the already inherited Cystinuria. The variant was confirmed by ARMS-PCR at the population level (Zafar & Awais, 2023).

Mayo Clinic Laboratories, Mayo Clinic
Classification: Benign. Last evaluated: 2022-03-09. Review status: criteria provided, single submitter. Criteria: ACMG Guidelines, 2015. Collection method: clinical testing. Allele origin: germline. Observed: 182 variant alleles.

Genome-Nilou Lab
Classification: Benign for Cystinuria. Last evaluated: 2021-07-15. Review status: criteria provided, single submitter. Criteria: ACMG Guidelines, 2015. Collection method: clinical testing. Allele origin: germline. Affected: no.

GeneDx
Classification: Benign. Last evaluated: 2019-08-20. Review status: criteria provided, single submitter. Criteria: GeneDx Variant Classification Process June 2021. Collection method: clinical testing. Allele origin: germline. Affected: yes.

Illumina Laboratory Services, Illumina
Classification: Benign for Cystinuria. Last evaluated: 2018-01-13. Review status: criteria provided, single submitter. Criteria: ICSL Variant Classification Criteria 13 December 2019. Collection method: clinical testing. Allele origin: germline.
Comment: This variant was observed in the ICSL laboratory as part of a predisposition screen in an ostensibly healthy population. It had not been previously curated by ICSL or reported in the Human Gene Mutation Database (HGMD: prior to June 1st, 2018), and was therefore a candidate for classification through an automated scoring system. Utilizing variant allele frequency, disease prevalence and penetrance estimates, and inheritance mode, an automated score was calculated to assess if this variant is too frequent to cause the disease. Based on the score and internal cut-off values, a variant classified as benign is not then subjected to further curation. The score for this variant resulted in a classification of benign for this disease.

Breakthrough Genomics
Classification: Benign. Review status: criteria provided, single submitter. Criteria: ACMG Guidelines, 2015. Collection method: not provided. Allele origin: germline. Inheritance: Autosomal dominant inheritance. Affected: yes.

Diagnostic Laboratory, Department of Genetics, University Medical Center Groningen
Classification: Benign. Review status: no assertion criteria provided. Collection method: clinical testing. Allele origin: germline. Affected: yes. Study: VKGL Data-share Consensus. Not counted in ClinVar's aggregate classification.

Joint Genome Diagnostic Labs from Nijmegen and Maastricht, Radboudumc and MUMC+
Classification: Benign. Review status: no assertion criteria provided. Collection method: clinical testing. Allele origin: germline. Affected: yes. Study: VKGL Data-share Consensus. Not counted in ClinVar's aggregate classification.

Literature cited by the submitters: PubMed 37716586 (cited by Biotechnology Lab, University of Central Punjab).